The following is an entry in ClinVar:

NM_000448.3(RAG1):c.739C>G (p.Arg247Gly)

Gene: RAG1 (recombination activating 1; plus strand). Cytogenetic location: 11p12.
Variant type: single nucleotide variant.
Coding change: c.739C>G on transcript NM_000448.3 (MANE Select); coding-DNA position 739, C replaced by G.
Protein change: p.Arg247Gly; replaces arginine 247 with glycine.
Molecular consequence: missense variant.
Genome position (GRCh38, 1-based): chr11:36,574,043, C>G. VCF-style: chr11-36574043-C-G. GRCh37 (hg19) VCF-style: chr11-36595593-C-G.
Other names: c.739C>G, p.Arg247Gly (NM_001377277.1, NM_001377278.1, NM_001377279.1 and 1 more transcripts); short protein forms R247G.
Identifiers: ClinVar variation 1478328 (VCV001478328.5), dbSNP rs147203889, ClinGen allele CA5950039.

ClinVar aggregate classification (germline): Uncertain significance (1 of 4 stars; one submission).

Conditions:
Severe combined immunodeficiency, autosomal recessive, T cell-negative, B cell-negative, NK cell-positive. Also called: SCID, T CELL-NEGATIVE, B CELL-NEGATIVE, NK CELL-POSITIVE; Severe combined immunodeficiency due to complete RAG1/2 deficiency; SCID, AR, T-cell negative, B-cell negative, NK cell-positive. Identifiers: Orphanet 331206, MedGen C1832322, MONDO:0011086, OMIM 601457.
Combined immunodeficiency with skin granulomas. Identifiers: Orphanet 157949, MedGen C2673536, MONDO:0009306, OMIM 233650.

Allele frequency attached by ClinVar (database versions not stated): ESP Exome Variant Server 0.00008.
gnomAD v4.1: 43 of 1,613,948 alleles (0.0027%); highest among the groups gnomAD compares: Non-Finnish European, 0.0034%; no homozygotes.

Submission:

Labcorp Genetics (formerly Invitae), Labcorp
Classification: Uncertain significance for Combined immunodeficiency with skin granulomas; Severe combined immunodeficiency, autosomal recessive, T cell-negative, B cell-negative, NK cell-positive. Last evaluated: 2022-07-15. Review status: criteria provided, single submitter. Criteria: Invitae Variant Classification Sherloc (09022015). Collection method: clinical testing. Allele origin: germline.
Comment: This sequence change replaces arginine, which is basic and polar, with glycine, which is neutral and non-polar, at codon 247 of the RAG1 protein (p.Arg247Gly). This variant is present in population databases (rs147203889, gnomAD 0.005%). This variant has not been reported in the literature in individuals affected with RAG1-related conditions. ClinVar contains an entry for this variant (Variation ID: 1478328). Advanced modeling of protein sequence and biophysical properties (such as structural, functional, and spatial information, amino acid conservation, physicochemical variation, residue mobility, and thermodynamic stability) performed at Invitae indicates that this missense variant is not expected to disrupt RAG1 protein function. In summary, the available evidence is currently insufficient to determine the role of this variant in disease. Therefore, it has been classified as a Variant of Uncertain Significance.